The following is an entry in ClinVar:

ClinVar aggregate classification (germline): Conflicting classifications of pathogenicity. Review status: criteria provided, conflicting classifications (1 of 4 stars). 4 submissions from 4 submitters: Uncertain significance (1); Likely benign (3). Last evaluated 2025-07-09.

Conditions:
Heterotopia, periventricular, X-linked dominant (PVNH1). Also called: PERIVENTRICULAR NODULAR HETEROTOPIA 4; HETEROTOPIA, PERIVENTRICULAR, 1; X-linked periventricular heterotopia; PERIVENTRICULAR NODULAR HETEROTOPIA 1. Identifiers: Orphanet 2149, Orphanet 82004, MedGen C1848213, MONDO:0010233, OMIM 300049.
Melnick-Needles syndrome (MNS). Also called: Melnick-Needles Syndrome (FLNA-MNS); MELNICK-NEEDLES OSTEODYSPLASTY; OSTEODYSPLASTY OF MELNICK AND NEEDLES. Identifiers: Orphanet 2484, MedGen C0025237, MONDO:0010650, OMIM 309350.
Oto-palato-digital syndrome, type II (OPD2). Also called: Otopalatodigital Syndrome Type 2 (FLNA-OPD2); FACIOPALATOOSSEOUS SYNDROME; OPD II SYNDROME; Otopalatodigital Syndrome, Type II. Identifiers: Orphanet 669, Orphanet 90652, MedGen C1844696, MONDO:0010571, OMIM 304120.
Frontometaphyseal dysplasia (FMD1). Identifiers: Orphanet 1826, MedGen C0265293, MONDO:0015942.
Familial thoracic aortic aneurysm and aortic dissection (TAAD). Also called: Thoracic aortic aneurysms and dissections. Identifiers: Orphanet 91387, MedGen C4707243, MONDO:0019625.

Allele frequency attached by ClinVar (database versions not stated): gnomAD 0.00001 and 0.00002; TOPMed 0.00003; ExAC 0.00002; gnomAD exomes 0.00003.
gnomAD v4.1: 41 of 1,207,882 alleles (0.0034%); highest among the groups gnomAD compares: East Asian, 0.0089%; no homozygotes.

Submissions (4):

Labcorp Genetics (formerly Invitae), Labcorp
Classification: Likely benign for Oto-palato-digital syndrome, type II; Heterotopia, periventricular, X-linked dominant; Frontometaphyseal dysplasia; Melnick-Needles syndrome. Last evaluated: 2025-07-09. Review status: criteria provided, single submitter. Criteria: Invitae Variant Classification Sherloc (09022015). Collection method: clinical testing. Allele origin: germline.

Ambry Genetics
Classification: Likely benign for Familial thoracic aortic aneurysm and aortic dissection. Last evaluated: 2022-05-16. Review status: criteria provided, single submitter. Criteria: Ambry Variant Classification Scheme 2023. Collection method: clinical testing. Allele origin: germline.

GeneDx
Classification: Likely benign. Last evaluated: 2016-09-26. Review status: criteria provided, single submitter. Criteria: GeneDx Variant Classification (06012015). Collection method: clinical testing. Allele origin: germline. Affected: yes.
Comment: This variant is considered likely benign or benign based on one or more of the following criteria: it is a conservative change, it occurs at a poorly conserved position in the protein, it is predicted to be benign by multiple in silico algorithms, and/or has population frequency not consistent with disease.

Eurofins Ntd Llc (ga)
Classification: Uncertain significance. Last evaluated: 2013-07-03. Review status: criteria provided, single submitter. Criteria: EGL Classification Definitions 2015. Collection method: clinical testing. Allele origin: germline. Observed: 1 variant allele, 1 heterozygote.

NM_001110556.2(FLNA):c.3147C>T (p.Gly1049=)

Gene: FLNA (filamin A; minus strand). Cytogenetic location: Xq28.
Variant type: single nucleotide variant.
Coding change: c.3147C>T on transcript NM_001110556.2 (MANE Select); coding-DNA position 3147, C replaced by T.
Protein change: p.Gly1049=; no amino-acid change (glycine 1049 retained).
Molecular consequence: synonymous variant.
Genome position (GRCh38, 1-based): chrX:154,361,368, G>A on the plus strand (C>T on the coding strand, the complement: FLNA is on the minus strand). VCF-style: chrX-154361368-G-A. GRCh37 (hg19) VCF-style: chrX-153589736-G-A.
Other names: c.3147C>T, p.Gly1049= (NM_001456.4).
Identifiers: ClinVar variation 93754 (VCV000093754.16), dbSNP rs398123615, ClinGen allele CA221705.